The following is an entry in ClinVar:

NM_000132.4(F8):c.3836G>A (p.Arg1279Lys)

Gene: F8 (coagulation factor VIII; minus strand). Cytogenetic location: Xq28.
Variant type: single nucleotide variant.
Coding change: c.3836G>A on transcript NM_000132.4 (MANE Select); coding-DNA position 3836, G replaced by A.
Protein change: p.Arg1279Lys; replaces arginine 1279 with lysine.
Molecular consequence: missense variant.
Genome position (GRCh38, 1-based): chrX:154,929,954, C>T on the plus strand (G>A on the coding strand, the complement: F8 is on the minus strand). VCF-style: chrX-154929954-C-T. GRCh37 (hg19) VCF-style: chrX-154158229-C-T.
Other names: c.3836G>A (NM_000132.3); short protein forms R1279K.
Identifiers: ClinVar variation 1685796 (VCV001685796.4), dbSNP rs139451429, ClinGen allele CA10568172.
Genomic context (GRCh38, chrX:154,929,954, plus strand): 5'-AAGCCTTCCAAGTTTTCTTCCTCCCCTTTTTTTGAGAAATGAGCTGTGTGTTTCTTTGTT[C>T]TATTTGTTGAATCATTTAATGACCTAAAATCTTGAAGTACTGGAGCATATGCCCCGTCAT-3'
Protein context (NP_000123.1, residues 1269-1289): DFRSLNDSTN[Arg1279Lys]TKKHTAHFSK

ClinVar aggregate classification (germline): Conflicting classifications of pathogenicity. Review status: criteria provided, conflicting classifications (1 of 4 stars). 3 submissions from 3 submitters: Uncertain significance (2); Likely benign (1). Last evaluated 2025-05-16.

Conditions:
Thrombophilia, X-linked, due to factor 8 defect. Also called: THROMBOPHILIA, X-LINKED, DUE TO FACTOR VIII DEFECT; Thrombophilia 13, X-linked, due to factor VIII defect. Identifiers: MedGen C5676879, MONDO:0859082, OMIM 301071.
F8-related disorder. Also called: F8-related condition.

Allele frequency attached by ClinVar (database versions not stated): ExAC 0.00002; gnomAD exomes 0.00002 and 0.00005; gnomAD 0.00015 and 0.00017; TOPMed 0.00036; ESP Exome Variant Server 0.00038.
gnomAD v4.1: 39 of 1,209,200 alleles (0.0032%); highest among the groups gnomAD compares: African/African-American, 0.042%; 1 homozygote.

Submissions (3):

PreventionGenetics, part of Exact Sciences
Classification: Uncertain significance for F8-related condition. Last evaluated: 2025-05-16. Review status: criteria provided, single submitter. Criteria: ACMG Guidelines, 2015. Collection method: clinical testing. Allele origin: germline.
Comment: The F8 c.3836G>A variant is predicted to result in the amino acid substitution p.Arg1279Lys. This variant, also described as p.Arg1260Lys using legacy nomenclature, has been reported in four male relatives from a single Jordanian family described as having clinically "mild" hemophilia A (Awidi et al. 2010. PubMed ID: 19817879). However, in vitro expression studies in transformed HEK293 cells showed this variant did not lead to changes in protein expression or enzymatic activity compared to wild type (Pahl et al. 2014. PubMed ID: 24108539). Additionally, this variant is reported in 0.048% of alleles in individuals of African descent in gnomAD, including two hemizygotes, which may be too common for this variant to be a primary cause of disease. At this time, the clinical significance of this variant is uncertain due to the absence of conclusive functional and genetic evidence.

Mendelics
Classification: Uncertain significance for Thrombophilia, X-linked, due to factor 8 defect. Last evaluated: 2024-10-23. Review status: criteria provided, single submitter. Criteria: Mendelics Assertion Criteria 2019. Collection method: clinical testing. Allele origin: germline.
Comment: The F8 c.3836G>A (p.Arg1279Lys) variant (rs139451429) has a GnomAD 4.1.0 frequency of 0.00003225 with 15 hemizygotes. This frequency and the number of hemizygotes are not compatible to a variant causing the disease.

Blueprint Genetics
Classification: Likely benign. Last evaluated: 2021-05-04. Review status: criteria provided, single submitter. Criteria: ACMG Guidelines, 2015. Collection method: clinical testing. Allele origin: germline.